The following is an entry in ClinVar:

NM_001267550.2(TTN):c.11311+5257G>A

Genes: TTN (titin; minus strand), LOC126806432 (CDK7 strongly-dependent group 2 enhancer GRCh37_chr2:179611985-179613184; plus strand). Cytogenetic location: 2q31.2.
Variant type: single nucleotide variant.
Coding change: c.11311+5257G>A on transcript NM_001267550.2 (MANE Select); 5257 bases into the intron after coding-DNA position 11311, G replaced by A.
Molecular consequence: intron variant. On other transcripts: missense variant (1).
Genome position (GRCh38, 1-based): chr2:178,747,867, C>T on the plus strand (G>A on the coding strand, the complement: TTN is on the minus strand). VCF-style: chr2-178747867-C-T. GRCh37 (hg19) VCF-style: chr2-179612594-C-T.
Other names: c.14533G>A, p.Glu4845Lys (NM_133379.5); c.10222+5257G>A (NM_003319.4); c.10798+5257G>A (NM_133437.4); c.10597+5257G>A (NM_133432.3); c.10360+5257G>A (NM_133378.4, NM_001256850.1); short protein forms E4845K.
Identifiers: ClinVar variation 3767554 (VCV003767554.1).
Genomic context (GRCh38, chr2:178,747,867, plus strand): 5'-CTTGAACTTCTTCATAACATTTTTCTTCTCCAGAGGCATGAATGTTTGTACTTATTTGTT[C>T]ACCTGGATTCTGTTGTTCTTCAGTCATCAAGAGTGGGAAGCACTGACTCAGGGAGAGCTG-3'

ClinVar aggregate classification (germline): Uncertain significance (1 of 4 stars; one submission).

gnomAD v4.1: 1 of 1,612,960 alleles (0.000062%); highest among the groups gnomAD compares: Non-Finnish European, 0.000085%; no homozygotes.

Submission:

GeneDx
Classification: Uncertain significance. Last evaluated: 2024-09-05. Review status: criteria provided, single submitter. Criteria: GeneDx Variant Classification Process June 2021. Collection method: clinical testing. Allele origin: germline. Affected: yes.
Comment: Not observed at significant frequency in large population cohorts (gnomAD); Has not been previously published as pathogenic or benign to our knowledge